The following is an entry in ClinVar:

ClinVar aggregate classification (germline): Uncertain significance. Review status: criteria provided, multiple submitters, no conflicts (2 of 4 stars). 2 submissions from 2 submitters: Uncertain significance (2). Last evaluated 2025-08-03.

Conditions:
Blau syndrome (BLAUS). Also called: ARTHROCUTANEOUVEAL GRANULOMATOSIS; GRANULOMATOSIS, FAMILIAL JUVENILE SYSTEMIC; GRANULOMATOSIS, FAMILIAL, BLAU TYPE; GRANULOMATOUS INFLAMMATORY ARTHRITIS, DERMATITIS, AND UVEITIS, FAMILIAL; JABS SYNDROME. Identifiers: Orphanet 90340, MedGen C5201146, MONDO:0008523, OMIM 186580.
Regional enteritis. Also called: Enteritis, Granulomatous. Identifiers: MedGen C0678202, MeSH D003424.

Submissions (2):

Labcorp Genetics (formerly Invitae), Labcorp
Classification: Uncertain significance for Regional enteritis; Blau syndrome. Last evaluated: 2025-08-03. Review status: criteria provided, single submitter. Criteria: Invitae Variant Classification Sherloc (09022015). Collection method: clinical testing. Allele origin: germline.
Comment: This sequence change creates a premature translational stop signal (p.Ser506Valfs*73) in the NOD2 gene. It is expected to result in an absent or disrupted protein product. However, the current clinical and genetic evidence is not sufficient to establish whether loss-of-function variants in NOD2 cause disease. This variant is present in population databases (rs754761524, gnomAD 0.006%). This premature translational stop signal has been observed in individual(s) with Crohn’s disease (PMID: 33692434). ClinVar contains an entry for this variant (Variation ID: 531603). In summary, the available evidence is currently insufficient to determine the role of this variant in disease. Therefore, it has been classified as a Variant of Uncertain Significance.

Blueprint Genetics
Classification: Uncertain significance. Last evaluated: 2023-10-13. Review status: criteria provided, single submitter. Criteria: ACMG Guidelines, 2015. Collection method: clinical testing. Allele origin: germline.

Literature cited by the submitters: PubMed 33692434 (cited by Labcorp Genetics (formerly Invitae), Labcorp).

NM_001370466.1(NOD2):c.1434dup (p.Ser479fs)

Gene: NOD2 (nucleotide binding oligomerization domain containing 2; plus strand). Cytogenetic location: 16q12.1.
Variant type: Duplication.
Coding change: c.1434dup on transcript NM_001370466.1 (MANE Select); coding-DNA position 1434, one base duplicated (G; older notation c.1434dupG).
Protein change: p.Ser479fs; shifts the reading frame from serine 479.
Molecular consequence: frameshift variant. On other transcripts: non-coding transcript variant (1).
Genome position (GRCh38, 1-based): chr16:50,711,426, G duplicated; the last of 7 consecutive G bases (chr16:50,711,420-50,711,426); duplicating any one gives the same sequence. VCF-style (leftmost placement, unchanged base first): chr16-50711419-A-AG. GRCh37 (hg19) VCF-style: chr16-50745330-A-AG.
Other names: c.1515dupG (NM_022162.2); c.1434dup, p.Ser479fs (NM_001293557.2); c.1515dup, p.Ser506fs (NM_022162.3); short protein forms S479fs, S506fs.
Identifiers: ClinVar variation 531603 (VCV000531603.10), dbSNP rs754761524, ClinGen allele CA8051555.